The following is an entry in ClinVar:

ClinVar aggregate classification (germline): Uncertain significance (1 of 4 stars; one submission).

Conditions:
Inborn genetic diseases. Identifiers: MedGen C0950123, MeSH D030342.

gnomAD v4.1: 1 of 1,613,920 alleles (0.000062%); highest among the groups gnomAD compares: Admixed American, 0.0017%; no homozygotes.

Submission:

Ambry Genetics
Classification: Uncertain significance for Inborn genetic diseases. Last evaluated: 2025-02-08. Review status: criteria provided, single submitter. Criteria: Ambry Variant Classification Scheme 2023. Collection method: clinical testing. Allele origin: germline.
Comment: The p.F434L variant (also known as c.1302T>G), located in coding exon 1 of the SAMD9L gene, results from a T to G substitution at nucleotide position 1302. The phenylalanine at codon 434 is replaced by leucine, an amino acid with highly similar properties. This amino acid position is conserved. In addition, this alteration is predicted to be tolerated by in silico analysis. Based on the available evidence, the clinical significance of this variant remains unclear.

NM_152703.5(SAMD9L):c.1302T>G (p.Phe434Leu)

Gene: SAMD9L (sterile alpha motif domain containing 9 like; minus strand). Cytogenetic location: 7q21.2.
Variant type: single nucleotide variant.
Coding change: c.1302T>G on transcript NM_152703.5 (MANE Select); coding-DNA position 1302, T replaced by G.
Protein change: p.Phe434Leu; replaces phenylalanine 434 with leucine.
Molecular consequence: missense variant.
Genome position (GRCh38, 1-based): chr7:93,134,670, A>C on the plus strand (T>G on the coding strand, the complement: SAMD9L is on the minus strand). VCF-style: chr7-93134670-A-C. GRCh37 (hg19) VCF-style: chr7-92763983-A-C.
Other names: c.1302T>G, p.Phe434Leu (NM_001303496.3, NM_001303497.3, NM_001303498.3 and 5 more transcripts); short protein forms F434L.
Identifiers: ClinVar variation 3792403 (VCV003792403.1).